The following is an entry in ClinVar:

NM_000374.5(UROD):c.499G>A (p.Glu167Lys)

Gene: UROD (uroporphyrinogen decarboxylase; plus strand). Cytogenetic location: 1p34.1.
Variant type: single nucleotide variant.
Coding change: c.499G>A on transcript NM_000374.5 (MANE Select); coding-DNA position 499, G replaced by A.
Protein change: p.Glu167Lys; replaces glutamic acid 167 with lysine.
Molecular consequence: missense variant. On other transcripts: non-coding transcript variant (3).
Genome position (GRCh38, 1-based): chr1:45,013,933, G>A. VCF-style: chr1-45013933-G-A. GRCh37 (hg19) VCF-style: chr1-45479605-G-A.
Other names: short protein forms E167K.
Identifiers: ClinVar variation 68 (VCV000000068.4), dbSNP rs121918058, ClinGen allele CA251372.
Genomic context (GRCh38, chr1:45,013,933, plus strand): 5'-TGGCTTCTGTGACACCATCTTTCTATCCTTCTCTAGTGGACCCTGATGACATACATGGTT[G>A]AGGGTGGTGGCTCAAGCACCATGGCTCAGGCCAAGCGCTGGCTCTATCAGAGACCTCAGG-3'
Protein context (NP_000365.3, residues 157-177): APWTLMTYMV[Glu167Lys]GGGSSTMAQA

ClinVar aggregate classification (germline): Uncertain significance. Review status: criteria provided, multiple submitters, no conflicts (2 of 4 stars). 3 submissions from 3 submitters: Uncertain significance (2). 1 of the submissions does not count toward it. Last evaluated 2026-01-11.

Conditions:
Hepatoerythropoietic porphyria (HEP). Identifiers: Orphanet 95159, MedGen C0162569, MONDO:0019799.

Allele frequency attached by ClinVar (database versions not stated): gnomAD exomes below 0.00001.

Submissions (3):

Labcorp Genetics (formerly Invitae), Labcorp
Classification: Uncertain significance. Last evaluated: 2026-01-11. Review status: criteria provided, single submitter. Criteria: Invitae Variant Classification Sherloc (09022015). Collection method: clinical testing. Allele origin: germline.
Comment: This sequence change replaces glutamic acid, which is acidic and polar, with lysine, which is basic and polar, at codon 167 of the UROD protein (p.Glu167Lys). This variant is not present in population databases (gnomAD no frequency). This missense change has been observed in individual(s) with hepatoerythropoietic porphyria (PMID: 1905636). ClinVar contains an entry for this variant (Variation ID: 68). Invitae Evidence Modeling of protein sequence and biophysical properties (such as structural, functional, and spatial information, amino acid conservation, physicochemical variation, residue mobility, and thermodynamic stability) indicates that this missense variant is expected to disrupt UROD protein function with a positive predictive value of 80%. In summary, the available evidence is currently insufficient to determine the role of this variant in disease. Therefore, it has been classified as a Variant of Uncertain Significance.

GeneDx
Classification: Uncertain significance. Last evaluated: 2021-07-02. Review status: criteria provided, single submitter. Criteria: GeneDx Variant Classification Process June 2021. Collection method: clinical testing. Allele origin: germline. Affected: yes.
Comment: Not observed at significant frequency in large population cohorts (Lek et al., 2016); In silico analysis supports that this missense variant has a deleterious effect on protein structure/function; This variant is associated with the following publications: (PMID: 27535533, 1905636, 8644733, 16169011, 21079081)

OMIM
Classification: Pathogenic for PORPHYRIA, HEPATOERYTHROPOIETIC. Last evaluated: 1991-04-01. Review status: no assertion criteria provided. Collection method: literature only. Allele origin: germline. Not counted in ClinVar's aggregate classification.

Literature cited by the submitters: PubMed 1905636 (cited by Labcorp Genetics (formerly Invitae), Labcorp and OMIM).